The following is an entry in ClinVar:

NM_002335.4(LRP5):c.4112-2A>G

Gene: LRP5 (LDL receptor related protein 5; plus strand). Cytogenetic location: 11q13.2.
Variant type: single nucleotide variant.
Coding change: c.4112-2A>G on transcript NM_002335.4 (MANE Select); the canonical splice acceptor site of the intron before coding-DNA position 4112, A replaced by G.
Molecular consequence: splice acceptor variant.
Genome position (GRCh38, 1-based): chr11:68,438,444, A>G. VCF-style: chr11-68438444-A-G. GRCh37 (hg19) VCF-style: chr11-68205912-A-G.
Other names: c.2369-2A>G (NM_001291902.2).
Identifiers: ClinVar variation 2137184 (VCV002137184.4), dbSNP rs2496899267, ClinGen allele CA381614807.

ClinVar aggregate classification (germline): Likely pathogenic (1 of 4 stars; one submission).

Submission:

Labcorp Genetics (formerly Invitae), Labcorp
Classification: Likely pathogenic. Last evaluated: 2023-06-26. Review status: criteria provided, single submitter. Criteria: Invitae Variant Classification Sherloc (09022015). Collection method: clinical testing. Allele origin: germline.
Comment: In summary, the currently available evidence indicates that the variant is pathogenic, but additional data are needed to prove that conclusively. Therefore, this variant has been classified as Likely Pathogenic. This sequence change affects an acceptor splice site in intron 19 of the LRP5 gene. RNA analysis indicates that disruption of this splice site induces altered splicing and likely results in a shortened protein product. This variant is not present in population databases (gnomAD no frequency). Disruption of this splice site has been observed in individuals with LRP5-related conditions (PMID: 21407258, 30452590). ClinVar contains an entry for this variant (Variation ID: 2137184). Studies have shown that disruption of this splice site results in skipping of exon 20, but is expected to preserve the integrity of the reading-frame (PMID: 21407258). This variant disrupts a region of the LRP5 protein in which other variant(s) (p.Gly1402Asp) have been observed in individuals with LRP5-related conditions (PMID: 28494495). This suggests that this is a clinically significant region of the protein, and that variants that disrupt it are likely to be disease-causing.

Literature cited by the submitters: PubMed 21407258; PubMed 30452590; PubMed 28494495.